The following is an entry in ClinVar:

ClinVar aggregate classification (germline): Uncertain significance (1 of 4 stars; one submission).

Conditions:
Hypertrophic cardiomyopathy 19. Also called: Familial hypertrophic cardiomyopathy 19. Identifiers: MedGen CN077603, MONDO:0013476.

Allele frequency attached by ClinVar (database versions not stated): gnomAD exomes below 0.00001.
gnomAD v4.1: 1 of 1,600,448 alleles (0.000062%); highest among the groups gnomAD compares: Non-Finnish European, 0.000086%; no homozygotes.

Submission:

Labcorp Genetics (formerly Invitae), Labcorp
Classification: Uncertain significance for Hypertrophic cardiomyopathy 19. Last evaluated: 2019-10-03. Review status: criteria provided, single submitter. Criteria: Invitae Variant Classification Sherloc (09022015). Collection method: clinical testing. Allele origin: germline.
Comment: In summary, the available evidence is currently insufficient to determine the role of this variant in disease. Therefore, it has been classified as a Variant of Uncertain Significance. Algorithms developed to predict the effect of sequence changes on RNA splicing suggest that this variant may create or strengthen a splice site, but this prediction has not been confirmed by published transcriptional studies. This variant has not been reported in the literature in individuals with CALR3-related conditions. This variant is not present in population databases (ExAC no frequency). Algorithms developed to predict the effect of missense changes on protein structure and function are either unavailable or do not agree on the potential impact of this missense change (SIFT: "Deleterious"; PolyPhen-2: "Probably Damaging"; Align-GVGD: "Class C0"). This sequence change replaces aspartic acid with glycine at codon 135 of the CALR3 protein (p.Asp135Gly). The aspartic acid residue is highly conserved and there is a moderate physicochemical difference between aspartic acid and glycine.

NM_145046.5(CALR3):c.404A>G (p.Asp135Gly)

Gene: CALR3 (calreticulin 3; minus strand). Cytogenetic location: 19p13.11.
Variant type: single nucleotide variant.
Coding change: c.404A>G on transcript NM_145046.5 (MANE Select); coding-DNA position 404, A replaced by G.
Protein change: p.Asp135Gly; replaces aspartic acid 135 with glycine.
Molecular consequence: missense variant.
Genome position (GRCh38, 1-based): chr19:16,485,251, T>C on the plus strand (A>G on the coding strand, the complement: CALR3 is on the minus strand). VCF-style: chr19-16485251-T-C. GRCh37 (hg19) VCF-style: chr19-16596062-T-C.
Other names: short protein forms D135G.
Identifiers: ClinVar variation 935349 (VCV000935349.10), dbSNP rs2093387443, ClinGen allele CA404610863.